The following is an entry in ClinVar:

ClinVar aggregate classification (germline): Uncertain significance. Review status: criteria provided, multiple submitters, no conflicts (2 of 4 stars). 2 submissions from 2 submitters: Uncertain significance (2). Last evaluated 2024-12-29.

Conditions:
Inborn genetic diseases. Identifiers: MedGen C0950123, MeSH D030342.

Allele frequency attached by ClinVar (database versions not stated): gnomAD 0.00001; TOPMed 0.00001.
gnomAD v4.1: 2 of 1,613,972 alleles (0.00012%); highest among the groups gnomAD compares: Non-Finnish European, 0.00017%; no homozygotes.

Submissions (2):

Ambry Genetics
Classification: Uncertain significance for Inborn genetic diseases. Last evaluated: 2024-12-29. Review status: criteria provided, single submitter. Criteria: Ambry Variant Classification Scheme 2023. Collection method: clinical testing. Allele origin: germline.
Comment: The p.V647A variant (also known as c.1940T>C), located in coding exon 18 of the ANKRD26 gene, results from a T to C substitution at nucleotide position 1940. The valine at codon 647 is replaced by alanine, an amino acid with similar properties. This amino acid position is conserved. In addition, this alteration is predicted to be tolerated by in silico analysis. Based on the available evidence, the clinical significance of this variant remains unclear.

Labcorp Genetics (formerly Invitae), Labcorp
Classification: Uncertain significance. Last evaluated: 2024-02-07. Review status: criteria provided, single submitter. Criteria: Invitae Variant Classification Sherloc (09022015). Collection method: clinical testing. Allele origin: germline.
Comment: This sequence change replaces valine, which is neutral and non-polar, with alanine, which is neutral and non-polar, at codon 647 of the ANKRD26 protein (p.Val647Ala). This variant is not present in population databases (gnomAD no frequency). This variant has not been reported in the literature in individuals affected with ANKRD26-related conditions. ClinVar contains an entry for this variant (Variation ID: 2197327). Algorithms developed to predict the effect of missense changes on protein structure and function output the following: SIFT: "Not Available"; PolyPhen-2: "Benign"; Align-GVGD: "Not Available". The alanine amino acid residue is found in multiple mammalian species, which suggests that this missense change does not adversely affect protein function. In summary, the available evidence is currently insufficient to determine the role of this variant in disease. Therefore, it has been classified as a Variant of Uncertain Significance.

NM_014915.3(ANKRD26):c.1940T>C (p.Val647Ala)

Gene: ANKRD26 (ankyrin repeat domain 26; minus strand). Cytogenetic location: 10p12.1.
Variant type: single nucleotide variant.
Coding change: c.1940T>C on transcript NM_014915.3 (MANE Select); coding-DNA position 1940, T replaced by C.
Protein change: p.Val647Ala; replaces valine 647 with alanine.
Molecular consequence: missense variant.
Genome position (GRCh38, 1-based): chr10:27,046,398, A>G on the plus strand (T>C on the coding strand, the complement: ANKRD26 is on the minus strand). VCF-style: chr10-27046398-A-G. GRCh37 (hg19) VCF-style: chr10-27335327-A-G.
Other names: c.1937T>C, p.Val646Ala (NM_001256053.2); short protein forms V646A, V647A.
Identifiers: ClinVar variation 2197327 (VCV002197327.5), dbSNP rs368004242, ClinGen allele CA204411117.
Genomic context (GRCh38, chr10:27,046,398, plus strand): 5'-AATCATAGATTTTACCTTCCTTCATCCTCATCTATTTCACTTAAACTGCTGTCATCATCC[A>G]CTTGTAGCAGGCCACCAGTTAGTAAACTGGCCTTCCCAAACACTGGTGAATTCACAGATT-3'
Protein context (NP_055730.2, residues 637-657): ASLLTGGLLQ[Val647Ala]DDDSSLSEID